The following is an entry in ClinVar:

ClinVar aggregate classification (germline): Benign/Likely benign. Review status: criteria provided, multiple submitters, no conflicts (2 of 4 stars). 6 submissions from 6 submitters: Benign (3); Likely benign (3). Last evaluated 2025-07-10.

Conditions:
Hereditary cancer-predisposing syndrome. Also called: Hereditary neoplastic syndrome; Neoplastic Syndromes, Hereditary; Hereditary Cancer Syndrome; Tumor predisposition. Identifiers: Orphanet 140162, MedGen C0027672, MeSH D009386, MONDO:0015356.
Tuberous sclerosis 1 (TSC1). Identifiers: Orphanet 805, MedGen C1854465, MONDO:0008612, OMIM 191100.
Tuberous sclerosis syndrome (TSC). Also called: Tuberous Sclerosis Complex; Tuberous sclerosis. Identifiers: Orphanet 805, MedGen C0041341, MONDO:0001734.

Allele frequency attached by ClinVar (database versions not stated): TOPMed below 0.00001; gnomAD 0.00001; gnomAD exomes 0.00002 and 0.00006; ExAC 0.00012.
gnomAD v4.1: 32 of 1,613,478 alleles (0.002%); highest among the groups gnomAD compares: Non-Finnish European, 0.0024%; no homozygotes.

Submissions (6):

Labcorp Genetics (formerly Invitae), Labcorp
Classification: Benign for Tuberous sclerosis 1. Last evaluated: 2025-07-10. Review status: criteria provided, single submitter. Criteria: Invitae Variant Classification Sherloc (09022015). Collection method: clinical testing. Allele origin: germline.

Color Diagnostics, LLC DBA Color Health
Classification: Likely benign for Tuberous sclerosis syndrome. Last evaluated: 2025-06-30. Review status: criteria provided, single submitter. Criteria: ACMG Guidelines, 2015. Collection method: clinical testing. Allele origin: germline.

Myriad Genetics, Inc.
Classification: Benign for Tuberous sclerosis 1. Last evaluated: 2025-04-29. Review status: criteria provided, single submitter. Criteria: Myriad Autosomal Dominant, Autosomal Recessive and X-Linked Classification Criteria (2023). Collection method: clinical testing. Allele origin: unknown.
Comment: This variant is considered benign. This variant is a silent/synonymous amino acid change and it is not expected to impact splicing.

Blueprint Genetics
Classification: Likely benign. Last evaluated: 2024-09-03. Review status: criteria provided, single submitter. Criteria: ACMG Guidelines, 2015. Collection method: clinical testing. Allele origin: germline.

Genome-Nilou Lab
Classification: Benign for Tuberous sclerosis 1. Last evaluated: 2021-11-07. Review status: criteria provided, single submitter. Criteria: ACMG Guidelines, 2015. Collection method: clinical testing. Allele origin: germline. Affected: no.

Ambry Genetics
Classification: Likely benign for Hereditary cancer-predisposing syndrome. Last evaluated: 2015-10-20. Review status: criteria provided, single submitter. Criteria: Ambry Variant Classification Scheme 2023. Collection method: clinical testing. Allele origin: germline.

NM_000368.5(TSC1):c.2982C>T (p.Asp994=)

Gene: TSC1 (TSC complex subunit 1; minus strand). Cytogenetic location: 9q34.13.
Variant type: single nucleotide variant.
Coding change: c.2982C>T on transcript NM_000368.5 (MANE Select); coding-DNA position 2982, C replaced by T.
Protein change: p.Asp994=; no amino-acid change (aspartic acid 994 retained).
Molecular consequence: synonymous variant.
Genome position (GRCh38, 1-based): chr9:132,896,748, G>A on the plus strand (C>T on the coding strand, the complement: TSC1 is on the minus strand). VCF-style: chr9-132896748-G-A. GRCh37 (hg19) VCF-style: chr9-135772135-G-A.
Other names: c.2979C>T, p.Asp993= (NM_001162426.2); c.2829C>T, p.Asp943= (NM_001162427.2); c.2619C>T, p.Asp873= (NM_001362177.2).
Identifiers: ClinVar variation 466108 (VCV000466108.20), dbSNP rs199919348, ClinGen allele CA035444.